The following is an entry in ClinVar:

ClinVar aggregate classification (germline): Pathogenic (1 of 4 stars; one submission).

Conditions:
Autosomal recessive nonsyndromic hearing loss 4 (DFNB4). Also called: Deafness, autosomal recessive 4; FOXI1-Related Pendred Syndrome; KCNJ10-Related Pendred Syndrome; DEAFNESS, AUTOSOMAL RECESSIVE 4, WITH ENLARGED VESTIBULAR AQUEDUCT, DIGENIC; NEUROSENSORY NONSYNDROMIC RECESSIVE DEAFNESS 4; Nonsyndromic enlarged vestibular aqueduct (NSEVA). Identifiers: Orphanet 90636, MedGen C3538946, MONDO:0010933, OMIM 600791.

Submission:

Institute of Rare Diseases, West China Hospital, Sichuan University
Classification: Pathogenic for Autosomal recessive nonsyndromic hearing loss 4. Last evaluated: 2025-01-09. Review status: criteria provided, single submitter. Criteria: ClinGen HL ACMG Specifications v1. Collection method: research. Allele origin: germline. Affected: yes.
Comment: PVS1;PM3;PP4;PM2_Supporting

NM_000441.2(SLC26A4):c.1544delT (p.Pro516fs)

Gene: SLC26A4 (solute carrier family 26 member 4; plus strand). Cytogenetic location: 7q22.3.
Variant type: Deletion.
Coding change: c.1544delT on transcript NM_000441.2 (MANE Select); coding-DNA position 1544, one base deleted (T).
Protein change: p.Pro516fs; shifts the reading frame from proline 516.
Molecular consequence: frameshift variant.
Genome position (GRCh38, 1-based): chr7:107,696,039, T deleted; the last of 2 consecutive T bases (chr7:107,696,038-107,696,039); deleting either gives the same sequence. VCF-style (leftmost placement, unchanged base first): chr7-107696037-GT-G. GRCh37 (hg19) VCF-style: chr7-107336482-GT-G.
Other names: c.1544del (NM_000441.2); short protein forms P516fs.
Identifiers: ClinVar variation 3601741 (VCV003601741.1).